The following is an entry in ClinVar:

NM_015028.4(TNIK):c.1590G>A (p.Lys530=)

Gene: TNIK (TRAF2 and NCK interacting kinase; minus strand). Cytogenetic location: 3q26.2.
Variant type: single nucleotide variant.
Coding change: c.1590G>A on transcript NM_015028.4 (MANE Select); coding-DNA position 1590, G replaced by A.
Protein change: p.Lys530=; no amino-acid change (lysine 530 retained).
Molecular consequence: synonymous variant.
Genome position (GRCh38, 1-based): chr3:171,138,209, C>T on the plus strand (G>A on the coding strand, the complement: TNIK is on the minus strand). VCF-style: chr3-171138209-C-T. GRCh37 (hg19) VCF-style: chr3-170855998-C-T.
Other names: c.1590G>A, p.Lys530= (NM_001161560.3, NM_001161563.3, NM_001161564.3); c.1503G>A, p.Lys501= (NM_001161561.3, NM_001161562.3, NM_001161565.3 and 1 more transcripts).
Identifiers: ClinVar variation 3390192 (VCV003390192.14).

ClinVar aggregate classification (germline): Likely benign (1 of 4 stars; one submission).

gnomAD v4.1: 5 of 1,603,556 alleles (0.00031%); highest among the groups gnomAD compares: Non-Finnish European, 0.00042%; no homozygotes.

Submission:

CeGaT Center for Human Genetics Tuebingen
Classification: Likely benign. Last evaluated: 2024-12-01. Review status: criteria provided, single submitter. Criteria: CeGaT Center For Human Genetics Tuebingen Variant Classification Criteria Version 2. Collection method: clinical testing. Allele origin: germline. Affected: yes. Observed: 1 variant allele.
Comment: TNIK: BP4, BP7